The following is an entry in ClinVar:

ClinVar aggregate classification (germline): Uncertain significance. Review status: criteria provided, multiple submitters, no conflicts (2 of 4 stars). 3 submissions from 3 submitters: Uncertain significance (3). Last evaluated 2024-06-04.

Conditions:
Rhabdoid tumor predisposition syndrome 2 (RTPS2). Identifiers: Orphanet 231108, Orphanet 69077, MedGen C2750074, MONDO:0013224, OMIM 613325.
Hereditary cancer-predisposing syndrome. Also called: Tumor predisposition; Hereditary neoplastic syndrome; Neoplastic Syndromes, Hereditary; Hereditary Cancer Syndrome. Identifiers: Orphanet 140162, MedGen C0027672, MeSH D009386, MONDO:0015356.

Allele frequency attached by ClinVar (database versions not stated): gnomAD exomes 0.00001 and 0.00002; ExAC 0.00003.
gnomAD v4.1: 3 of 1,613,486 alleles (0.00019%); highest among the groups gnomAD compares: Non-Finnish European, 0.00025%; no homozygotes.

Submissions (3):

Mayo Clinic Laboratories, Mayo Clinic
Classification: Uncertain significance. Last evaluated: 2024-06-04. Review status: criteria provided, single submitter. Criteria: ACMG Guidelines, 2015. Collection method: clinical testing. Allele origin: germline. Observed: 1 variant allele.
Comment: BP4

Ambry Genetics
Classification: Uncertain significance for Hereditary cancer-predisposing syndrome. Last evaluated: 2024-05-21. Review status: criteria provided, single submitter. Criteria: Ambry Variant Classification Scheme 2023. Collection method: clinical testing. Allele origin: germline.
Comment: The c.3215+3G>A intronic variant results from a G to A substitution 3 nucleotides after coding exon 22 in the SMARCA4 gene. This nucleotide position is well conserved in available vertebrate species. In silico splice site analysis predicts that this alteration will not have any significant effect on splicing; however, direct evidence is insufficient at this time (Ambry internal data). Based on the available evidence, the clinical significance of this variant remains unclear.

Labcorp Genetics (formerly Invitae), Labcorp
Classification: Uncertain significance for Rhabdoid tumor predisposition syndrome 2. Last evaluated: 2019-11-29. Review status: criteria provided, single submitter. Criteria: Invitae Variant Classification Sherloc (09022015). Collection method: clinical testing. Allele origin: germline.
Comment: In summary, the available evidence is currently insufficient to determine the role of this variant in disease. Therefore, it has been classified as a Variant of Uncertain Significance. Nucleotide substitutions within the consensus splice site are a relatively common cause of aberrant splicing (PMID: 17576681, 9536098). Algorithms developed to predict the effect of sequence changes on RNA splicing suggest that this variant is not likely to affect RNA splicing, but this prediction has not been confirmed by published transcriptional studies. This variant has not been reported in the literature in individuals with SMARCA4-related conditions. This variant is present in population databases (rs751050884, ExAC 0.006%). This sequence change falls in intron 23 of the SMARCA4 gene. It does not directly change the encoded amino acid sequence of the SMARCA4 protein, but it affects a nucleotide within the consensus splice site of the intron.

Literature cited by the submitters: PubMed 17576681 (cited by Labcorp Genetics (formerly Invitae), Labcorp); PubMed 9536098 (cited by Labcorp Genetics (formerly Invitae), Labcorp).

NM_003072.5(SMARCA4):c.3215+3G>A

Gene: SMARCA4 (SWI/SNF related BAF chromatin remodeling complex subunit ATPase 4; plus strand). Cytogenetic location: 19p13.2.
Variant type: single nucleotide variant.
Coding change: c.3215+3G>A on transcript NM_003072.5 (MANE Select); 3 bases into the intron after coding-DNA position 3215, G replaced by A.
Molecular consequence: intron variant.
Genome position (GRCh38, 1-based): chr19:11,026,349, G>A. VCF-style: chr19-11026349-G-A. GRCh37 (hg19) VCF-style: chr19-11137025-G-A.
Other names: p.?; c.3215+3G>A (NM_001128844.3, NM_001128849.3, NM_001128847.4 and 5 more transcripts).
Identifiers: ClinVar variation 861096 (VCV000861096.12), dbSNP rs751050884, ClinGen allele CA9204359.